The following is an entry in ClinVar:

ClinVar aggregate classification (germline): Uncertain significance (1 of 4 stars; one submission).

gnomAD v4.1: 4 of 1,614,202 alleles (0.00025%); highest among the groups gnomAD compares: African/African-American, 0.0013%; no homozygotes.

Submission:

Labcorp Genetics (formerly Invitae), Labcorp
Classification: Uncertain significance. Last evaluated: 2025-06-12. Review status: criteria provided, single submitter. Criteria: Invitae Variant Classification Sherloc (09022015). Collection method: clinical testing. Allele origin: germline.
Comment: This sequence change replaces proline, which is neutral and non-polar, with serine, which is neutral and polar, at codon 1083 of the TTBK2 protein (p.Pro1083Ser). This variant is present in population databases (rs759799761, gnomAD 0.003%). This variant has not been reported in the literature in individuals affected with TTBK2-related conditions. An algorithm developed to predict the effect of missense changes on protein structure and function (PolyPhen-2) suggests that this variant is likely to be disruptive. In summary, the available evidence is currently insufficient to determine the role of this variant in disease. Therefore, it has been classified as a Variant of Uncertain Significance.

NM_173500.4(TTBK2):c.3247C>T (p.Pro1083Ser)

Gene: TTBK2 (tau tubulin kinase 2; minus strand). Cytogenetic location: 15q15.2.
Variant type: single nucleotide variant.
Coding change: c.3247C>T on transcript NM_173500.4 (MANE Select); coding-DNA position 3247, C replaced by T.
Protein change: p.Pro1083Ser; replaces proline 1083 with serine.
Molecular consequence: missense variant.
Genome position (GRCh38, 1-based): chr15:42,751,999, G>A on the plus strand (C>T on the coding strand, the complement: TTBK2 is on the minus strand). VCF-style: chr15-42751999-G-A. GRCh37 (hg19) VCF-style: chr15-43044197-G-A.
Other names: short protein forms P1083S.
Identifiers: ClinVar variation 4768954 (VCV004768954.1).
Genomic context (GRCh38, chr15:42,751,999, plus strand): 5'-TACACACTTAACACAGGGAGAGCACACAGCATTACCTGGCTTCTACTCCAGGCCTCGTGG[G>A]TGGCTTTCCTGGTGGTGGCCGAGGAAAGAACTGAGACGAAGTTGAGCTATTGACCTGATC-3'
Protein context (NP_775771.3, residues 1073-1093): FFPRPPPGKP[Pro1083Ser]TRPGVEARLR